The following is an entry in ClinVar:

NM_022787.4(NMNAT1):c.634G>A (p.Val212Met)

Gene: NMNAT1 (nicotinamide nucleotide adenylyltransferase 1; plus strand). Cytogenetic location: 1p36.22.
Variant type: single nucleotide variant.
Coding change: c.634G>A on transcript NM_022787.4 (MANE Select); coding-DNA position 634, G replaced by A.
Protein change: p.Val212Met; replaces valine 212 with methionine.
Molecular consequence: missense variant.
Genome position (GRCh38, 1-based): chr1:9,982,495, G>A. VCF-style: chr1-9982495-G-A. GRCh37 (hg19) VCF-style: chr1-10042553-G-A.
Other names: c.634G>A, p.Val212Met (NM_001297778.1); short protein forms V212M.
Identifiers: ClinVar variation 871051 (VCV000871051.53), dbSNP rs201994921, ClinGen allele CA579297.

ClinVar aggregate classification (germline): Conflicting classifications of pathogenicity. Review status: criteria provided, conflicting classifications (1 of 4 stars). 8 submissions from 8 submitters: Pathogenic (3); Likely pathogenic (2); Uncertain significance (2). 1 of the submissions does not count toward it. Last evaluated 2025-02-28.

Conditions:
NMNAT1-related disorder. Also called: NMNAT1-related condition.
Leber congenital amaurosis 9 (LCA9). Also called: LCA9 Leber Congenital Amaurosis; LCA 9; Amaurosis congenita of Leber, type 9. Identifiers: Orphanet 65, MedGen C1837873, MONDO:0012056, OMIM 608553.
Spondyloepiphyseal dysplasia, sensorineural hearing loss, impaired intellectual development, and leber congenital amaurosis. Also called: SHILCA SYNDROME. Identifiers: Orphanet 611207, MedGen C5543257, MONDO:0031007, OMIM 619260.

Allele frequency attached by ClinVar (database versions not stated): TOPMed 0.00002; gnomAD 0.00003 and 0.00004; ExAC 0.00004.
gnomAD v4.1: 106 of 1,613,782 alleles (0.0066%); highest among the groups gnomAD compares: Middle Eastern, 0.016%; no homozygotes.

Submissions (8):

Labcorp Genetics (formerly Invitae), Labcorp
Classification: Pathogenic for Leber congenital amaurosis 9. Last evaluated: 2025-02-28. Review status: criteria provided, single submitter. Criteria: Invitae Variant Classification Sherloc (09022015). Collection method: clinical testing. Allele origin: germline.
Comment: This sequence change replaces valine, which is neutral and non-polar, with methionine, which is neutral and non-polar, at codon 212 of the NMNAT1 protein (p.Val212Met). This variant is present in population databases (rs201994921, gnomAD 0.01%). This missense change has been observed in individual(s) with Leber congenital amaurosis (PMID: 25412400, 28453600, 29074561). In at least one individual the data is consistent with being in trans (on the opposite chromosome) from a pathogenic variant. ClinVar contains an entry for this variant (Variation ID: 871051). Invitae Evidence Modeling of protein sequence and biophysical properties (such as structural, functional, and spatial information, amino acid conservation, physicochemical variation, residue mobility, and thermodynamic stability) indicates that this missense variant is not expected to disrupt NMNAT1 protein function with a negative predictive value of 80%. For these reasons, this variant has been classified as Pathogenic.

Genomic Medicine Center of Excellence, King Faisal Specialist Hospital and Research Centre
Classification: Uncertain significance for Leber congenital amaurosis 9. Last evaluated: 2024-04-04. Review status: criteria provided, single submitter. Criteria: ACMG Guidelines, 2015. Collection method: clinical testing. Allele origin: germline.

Blueprint Genetics
Classification: Pathogenic for NMNAT1-related disorders. Last evaluated: 2023-08-17. Review status: criteria provided, single submitter. Criteria: ACMG Guidelines, 2015. Collection method: clinical testing. Allele origin: germline. Affected: yes. Observed: 5 variant alleles.

Department of Pathology and Laboratory Medicine, Sinai Health System
Classification: Likely pathogenic for Leber congenital amaurosis 9; Spondyloepiphyseal dysplasia, sensorineural hearing loss, impaired intellectual development, and leber congenital amaurosis. Last evaluated: 2023-04-04. Review status: criteria provided, single submitter. Criteria: ACMG Guidelines, 2015. Collection method: research. Allele origin: germline.

Ocular Genomics Institute, Massachusetts Eye and Ear
Classification: Uncertain significance for Leber congenital amaurosis 9. Last evaluated: 2021-04-08. Review status: criteria provided, single submitter. Criteria: ACMG Guidelines, 2015. Collection method: research. Allele origin: germline. Affected: yes.
Comment: Through a review of available evidence we were able to apply the following criteria: PM2, PM3-S. Based on this evidence we have classified this variant as Variant of Uncertain Significance.

GeneDx
Classification: Likely pathogenic. Last evaluated: 2020-12-31. Review status: criteria provided, single submitter. Criteria: GeneDx Variant Classification Process June 2021. Collection method: clinical testing. Allele origin: germline. Affected: yes.
Comment: In silico analysis supports that this missense variant does not alter protein structure/function; This variant is associated with the following publications: (PMID: 27422788, 27375279, 28453600, 29074561, 25412400, 31054281)

CeGaT Center for Human Genetics Tuebingen
Classification: Pathogenic. Last evaluated: 2020-01-01. Review status: criteria provided, single submitter. Criteria: CeGaT Center For Human Genetics Tuebingen Variant Classification Criteria Version 2. Collection method: clinical testing. Allele origin: germline. Affected: yes. Observed: 2 variant alleles.

Genomics England Pilot Project, Genomics England
Classification: Pathogenic for Leber congenital amaurosis 9. Review status: no assertion criteria provided. Criteria: ACGS Guidelines, 2016. Collection method: clinical testing. Allele origin: germline. Affected: yes. Not counted in ClinVar's aggregate classification.

Literature cited by the submitters: PubMed 25412400 (cited by Labcorp Genetics (formerly Invitae), Labcorp and Ocular Genomics Institute, Massachusetts Eye and Ear); PubMed 28453600 (cited by Labcorp Genetics (formerly Invitae), Labcorp and Ocular Genomics Institute, Massachusetts Eye and Ear); PubMed 29074561 (cited by Labcorp Genetics (formerly Invitae), Labcorp and Ocular Genomics Institute, Massachusetts Eye and Ear); PubMed 26047050 (cited by Ocular Genomics Institute, Massachusetts Eye and Ear); PubMed 31054281 (cited by Ocular Genomics Institute, Massachusetts Eye and Ear).